The following is an entry in ClinVar:

NM_001098671.2(RASGRP2):c.372-3C>T

Gene: RASGRP2 (RAS guanyl releasing protein 2; minus strand). Cytogenetic location: 11q13.1.
Variant type: single nucleotide variant.
Coding change: c.372-3C>T on transcript NM_001098671.2 (MANE Select); 3 bases into the intron before coding-DNA position 372, C replaced by T.
Molecular consequence: intron variant.
Genome position (GRCh38, 1-based): chr11:64,740,166, G>A on the plus strand (C>T on the coding strand, the complement: RASGRP2 is on the minus strand). VCF-style: chr11-64740166-G-A. GRCh37 (hg19) VCF-style: chr11-64507638-G-A.
Other names: c.372-3C>T (NM_153819.2, NM_001440690.1, NM_001440698.1 and 12 more transcripts); c.459-3C>T (NM_001440705.1, NM_001440703.1, NM_001440704.1); c.-64-3C>T (NM_001318398.2).
Identifiers: ClinVar variation 3704198 (VCV003704198.2).

ClinVar aggregate classification (germline): Uncertain significance (1 of 4 stars; one submission).

gnomAD v4.1: 179 of 1,613,434 alleles (0.011%); highest among the groups gnomAD compares: Non-Finnish European, 0.014%; no homozygotes.

Submission:

Labcorp Genetics (formerly Invitae), Labcorp
Classification: Uncertain significance. Last evaluated: 2025-10-12. Review status: criteria provided, single submitter. Criteria: Invitae Variant Classification Sherloc (09022015). Collection method: clinical testing. Allele origin: germline.
Comment: This sequence change falls in intron 5 of the RASGRP2 gene. It does not directly change the encoded amino acid sequence of the RASGRP2 protein. It affects a nucleotide within the consensus splice site. This variant is present in population databases (rs781003927, gnomAD 0.01%). This variant has not been reported in the literature in individuals affected with RASGRP2-related conditions. ClinVar contains an entry for this variant (Variation ID: 3704198). Variants that disrupt the consensus splice site are a relatively common cause of aberrant splicing (PMID: 17576681, 9536098). Algorithms developed to predict the effect of sequence changes on RNA splicing suggest that this variant is not likely to affect RNA splicing. In summary, the available evidence is currently insufficient to determine the role of this variant in disease. Therefore, it has been classified as a Variant of Uncertain Significance.

Literature cited by the submitters: PubMed 17576681; PubMed 9536098.